The following is an entry in ClinVar:

ClinVar aggregate classification (germline): Uncertain significance. Review status: criteria provided, multiple submitters, no conflicts (2 of 4 stars). 2 submissions from 2 submitters: Uncertain significance (2). Last evaluated 2025-12-10.

Conditions:
Inborn genetic diseases. Identifiers: MedGen C0950123, MeSH D030342.
Wiskott-Aldrich syndrome 2 (WAS2). Also called: WIPF1 DEFICIENCY. Identifiers: Orphanet 906, MedGen C3281001, MONDO:0013779, OMIM 614493.

Allele frequency attached by ClinVar (database versions not stated): ExAC 0.00001; gnomAD exomes 0.00001.
gnomAD v4.1: 12 of 1,614,082 alleles (0.00074%); highest among the groups gnomAD compares: Middle Eastern, 0.017%; no homozygotes.

Submissions (2):

Ambry Genetics
Classification: Uncertain significance for Inborn genetic diseases. Last evaluated: 2025-12-10. Review status: criteria provided, single submitter. Criteria: Ambry Variant Classification Scheme 2023. Collection method: clinical testing. Allele origin: germline.

Labcorp Genetics (formerly Invitae), Labcorp
Classification: Uncertain significance for Wiskott-Aldrich syndrome 2. Last evaluated: 2024-10-21. Review status: criteria provided, single submitter. Criteria: Invitae Variant Classification Sherloc (09022015). Collection method: clinical testing. Allele origin: germline.
Comment: This sequence change replaces arginine, which is basic and polar, with glutamine, which is neutral and polar, at codon 485 of the WIPF1 protein (p.Arg485Gln). This variant is present in population databases (rs776761827, gnomAD 0.0009%). This variant has not been reported in the literature in individuals affected with WIPF1-related conditions. ClinVar contains an entry for this variant (Variation ID: 862621). An algorithm developed to predict the effect of missense changes on protein structure and function (PolyPhen-2) suggests that this variant is likely to be disruptive. In summary, the available evidence is currently insufficient to determine the role of this variant in disease. Therefore, it has been classified as a Variant of Uncertain Significance.

NM_001375834.1(WIPF1):c.1454G>A (p.Arg485Gln)

Gene: WIPF1 (WAS/WASL interacting protein family member 1; minus strand). Cytogenetic location: 2q31.1.
Variant type: single nucleotide variant.
Coding change: c.1454G>A on transcript NM_001375834.1 (MANE Select); coding-DNA position 1454, G replaced by A.
Protein change: p.Arg485Gln; replaces arginine 485 with glutamine.
Molecular consequence: missense variant.
Genome position (GRCh38, 1-based): chr2:174,567,072, C>T on the plus strand (G>A on the coding strand, the complement: WIPF1 is on the minus strand). VCF-style: chr2-174567072-C-T. GRCh37 (hg19) VCF-style: chr2-175431800-C-T.
Other names: c.1454G>A, p.Arg485Gln (NM_001077269.1, NM_001375832.1, NM_001375833.1 and 2 more transcripts); c.1076G>A, p.Arg359Gln (NM_001375839.1); short protein forms R359Q, R485Q.
Identifiers: ClinVar variation 862621 (VCV000862621.7), dbSNP rs776761827, ClinGen allele CA1973904.